The following is an entry in ClinVar:

NM_025219.3(DNAJC5):c.55G>A (p.Val19Ile)

Gene: DNAJC5 (DnaJ heat shock protein family (Hsp40) member C5; plus strand). Cytogenetic location: 20q13.33.
Variant type: single nucleotide variant.
Coding change: c.55G>A on transcript NM_025219.3 (MANE Select); coding-DNA position 55, G replaced by A.
Protein change: p.Val19Ile; replaces valine 19 with isoleucine.
Molecular consequence: missense variant.
Genome position (GRCh38, 1-based): chr20:63,928,400, G>A. VCF-style: chr20-63928400-G-A. GRCh37 (hg19) VCF-style: chr20-62559753-G-A.
Other names: short protein forms V19I.
Identifiers: ClinVar variation 1419185 (VCV001419185.6), dbSNP rs981499477, ClinGen allele CA317518756.
Genomic context (GRCh38, chr20:63,928,400, plus strand): 5'-CCTAACATGGCAGACCAGAGACAGCGCTCACTGTCTACCTCTGGGGAGTCATTGTACCAC[G>A]TCCTTGGGTTGGACAAGAACGCAACCTCAGATGACATTAAAAAGTCCTATCGGTAAGTGG-3'
Protein context (NP_079495.1, residues 9-29): LSTSGESLYH[Val19Ile]LGLDKNATSD

ClinVar aggregate classification (germline): Uncertain significance (1 of 4 stars; one submission).

Conditions:
Neuronal ceroid lipofuscinosis. Also called: Neuronal Ceroid Lipofuscinoses. Identifiers: Orphanet 216, Orphanet 79263, MedGen C0027877, MONDO:0016295. Disease mechanism: loss of function.

Allele frequency attached by ClinVar (database versions not stated): gnomAD exomes below 0.00001 and 0.00001; TOPMed below 0.00001; gnomAD 0.00001.
gnomAD v4.1: 8 of 1,613,880 alleles (0.0005%); highest among the groups gnomAD compares: South Asian, 0.0022%; no homozygotes.

Submission:

Labcorp Genetics (formerly Invitae), Labcorp
Classification: Uncertain significance for Neuronal ceroid lipofuscinosis. Last evaluated: 2024-09-05. Review status: criteria provided, single submitter. Criteria: Invitae Variant Classification Sherloc (09022015). Collection method: clinical testing. Allele origin: germline.
Comment: This sequence change replaces valine, which is neutral and non-polar, with isoleucine, which is neutral and non-polar, at codon 19 of the DNAJC5 protein (p.Val19Ile). This variant is present in population databases (no rsID available, gnomAD 0.003%). This variant has not been reported in the literature in individuals affected with DNAJC5-related conditions. ClinVar contains an entry for this variant (Variation ID: 1419185). An algorithm developed to predict the effect of missense changes on protein structure and function (PolyPhen-2) suggests that this variant is likely to be tolerated. In summary, the available evidence is currently insufficient to determine the role of this variant in disease. Therefore, it has been classified as a Variant of Uncertain Significance.